The following is an entry in ClinVar:

ClinVar aggregate classification (germline): Uncertain significance (1 of 4 stars; one submission).

Conditions:
Gnathodiaphyseal dysplasia (GDD). Also called: GNATHODIAPHYSEAL SCLEROSIS; OSTEOGENESIS IMPERFECTA WITH UNUSUAL SKELETAL LESIONS. Identifiers: Orphanet 53697, MedGen C1833736, MONDO:0008151, OMIM 166260.
Autosomal recessive limb-girdle muscular dystrophy type 2L (LGMDR12). Also called: Limb-girdle muscular dystrophy, type 2L; MUSCULAR DYSTROPHY, LIMB-GIRDLE, AUTOSOMAL RECESSIVE 12; Limb-Girdle Muscular Dystrophy R12 Anoctamin-5-Related (LGMD-R12). Identifiers: Orphanet 206549, MedGen C1969785, MONDO:0012652, OMIM 611307.

Submission:

Labcorp Genetics (formerly Invitae), Labcorp
Classification: Uncertain significance for Autosomal recessive limb-girdle muscular dystrophy type 2L; Gnathodiaphyseal dysplasia. Last evaluated: 2023-06-27. Review status: criteria provided, single submitter. Criteria: Invitae Variant Classification Sherloc (09022015). Collection method: clinical testing. Allele origin: germline.
Comment: In summary, the available evidence is currently insufficient to determine the role of this variant in disease. Therefore, it has been classified as a Variant of Uncertain Significance. Advanced modeling of protein sequence and biophysical properties (such as structural, functional, and spatial information, amino acid conservation, physicochemical variation, residue mobility, and thermodynamic stability) has been performed at Invitae for this missense variant, however the output from this modeling did not meet the statistical confidence thresholds required to predict the impact of this variant on ANO5 protein function. This variant has not been reported in the literature in individuals affected with ANO5-related conditions. This variant is not present in population databases (gnomAD no frequency). This sequence change replaces serine, which is neutral and polar, with proline, which is neutral and non-polar, at codon 571 of the ANO5 protein (p.Ser571Pro).

NM_213599.3(ANO5):c.1711T>C (p.Ser571Pro)

Gene: ANO5 (anoctamin 5; plus strand). Cytogenetic location: 11p14.3.
Variant type: single nucleotide variant.
Coding change: c.1711T>C on transcript NM_213599.3 (MANE Select); coding-DNA position 1711, T replaced by C.
Protein change: p.Ser571Pro; replaces serine 571 with proline.
Molecular consequence: missense variant.
Genome position (GRCh38, 1-based): chr11:22,262,209, T>C. VCF-style: chr11-22262209-T-C. GRCh37 (hg19) VCF-style: chr11-22283755-T-C.
Other names: c.1708T>C, p.Ser570Pro (NM_001142649.2); c.1669T>C, p.Ser557Pro (NM_001410963.1); c.1666T>C, p.Ser556Pro (NM_001410964.1); short protein forms S557P, S570P, S556P, S571P.
Identifiers: ClinVar variation 2940983 (VCV002940983.3), dbSNP rs955482513, ClinGen allele CA379922651.
Genomic context (GRCh38, chr11:22,262,209, plus strand): 5'-GAGTATGAGAGCAGTCTTACCTTGAAAATGTTCCTGTTTCAGTTTGTAAATTTTTACTCA[T>C]CCTGCTTCTACGTAGCTTTCTTTAAAGGGAAGTTCGTAGGCTATCCTGGAAAATACACAT-3'
Protein context (NP_998764.1, residues 561-581): FLFQFVNFYS[Ser571Pro]CFYVAFFKGK